The following is an entry in ClinVar:

ClinVar aggregate classification (germline): Likely benign (1 of 4 stars; one submission).

gnomAD v4.1: 11 of 1,608,080 alleles (0.00068%); highest among the groups gnomAD compares: South Asian, 0.011%; 1 homozygote.

Submission:

CeGaT Center for Human Genetics Tuebingen
Classification: Likely benign. Last evaluated: 2026-04-01. Review status: criteria provided, single submitter. Criteria: CeGaT Center For Human Genetics Tuebingen Variant Classification Criteria Version 2. Collection method: clinical testing. Allele origin: germline. Affected: yes. Observed: 1 variant allele.
Comment: LONP1: BP4

NM_004793.4(LONP1):c.297C>T (p.Gly99=)

Gene: LONP1 (lon peptidase 1, mitochondrial; minus strand). Cytogenetic location: 19p13.3.
Variant type: single nucleotide variant.
Coding change: c.297C>T on transcript NM_004793.4 (MANE Select); coding-DNA position 297, C replaced by T.
Protein change: p.Gly99=; no amino-acid change (glycine 99 retained).
Molecular consequence: synonymous variant. On other transcripts: intron variant (2).
Genome position (GRCh38, 1-based): chr19:5,719,836, G>A on the plus strand (C>T on the coding strand, the complement: LONP1 is on the minus strand). VCF-style: chr19-5719836-G-A. GRCh37 (hg19) VCF-style: chr19-5719847-G-A.
Other names: c.-160+383C>T (NM_001276480.1); c.125-20C>T (NM_001276479.2).
Identifiers: ClinVar variation 4873454 (VCV004873454.2).